The following is an entry in ClinVar:

ClinVar aggregate classification (germline): Conflicting classifications of pathogenicity. Review status: criteria provided, conflicting classifications (1 of 4 stars). 3 submissions from 3 submitters: Likely pathogenic (1); Uncertain significance (2). Last evaluated 2026-08-06.

Conditions:
Pituitary hormone deficiency, combined, 1 (CPHD1). Also called: Pituitary hormone deficiency, combined or isolated, 1. Identifiers: MedGen C2751608, MONDO:0024464, OMIM 613038.

Allele frequency attached by ClinVar (database versions not stated): gnomAD exomes below 0.00001 and 0.00001; ExAC 0.00001; gnomAD 0.00001; TOPMed 0.00001.
gnomAD v4.1: 13 of 1,612,298 alleles (0.00081%); highest among the groups gnomAD compares: African/African-American, 0.0013%; no homozygotes.

Submissions (3):

OLLIN Analises Genomicas, OLLIN
Classification: Uncertain significance for Pituitary hormone deficiency, combined, 1. Last evaluated: 2026-08-06. Review status: criteria provided, single submitter. Criteria: ACMG Guidelines 2015 PMID 25741868. Collection method: clinical testing. Allele origin: germline.
Comment: This variant, located at the canonical splicing site (splice acceptor), has been reported in ClinVar (accession VCV001302173.5) and in gnomAD with an allele frequency of 0.000806%. However, to our knowledge, it has not been reported in the scientific literature. This variant is predicted to disrupt a canonical splice site, potentially leading to exon skipping, mRNA degradation via nonsense-mediated decay (NMD), or production of a truncated protein. According to the currently available evidence, this variant has been classified as uncertain significance (PVS1_M, PM2_P).

Labcorp Genetics (formerly Invitae), Labcorp
Classification: Likely pathogenic. Last evaluated: 2023-08-18. Review status: criteria provided, single submitter. Criteria: Invitae Variant Classification Sherloc (09022015). Collection method: clinical testing. Allele origin: germline.
Comment: This sequence change affects an acceptor splice site in intron 1 of the POU1F1 gene. It is expected to disrupt RNA splicing. Variants that disrupt the donor or acceptor splice site typically lead to a loss of protein function (PMID: 16199547), and loss-of-function variants in POU1F1 are known to be pathogenic (PMID: 1472057, 9392392, 15844473, 15928241). This variant is present in population databases (rs746709336, gnomAD 0.007%). This variant has not been reported in the literature in individuals affected with POU1F1-related conditions. ClinVar contains an entry for this variant (Variation ID: 1302173). Algorithms developed to predict the effect of sequence changes on RNA splicing suggest that this variant may disrupt the consensus splice site. In summary, the currently available evidence indicates that the variant is pathogenic, but additional data are needed to prove that conclusively. Therefore, this variant has been classified as Likely Pathogenic.

GeneDx
Classification: Uncertain significance. Last evaluated: 2019-06-05. Review status: criteria provided, single submitter. Criteria: GeneDx Variant Classification Process June 2021. Collection method: clinical testing. Allele origin: germline. Affected: yes.
Comment: Canonical splice site variant predicted to result in an in-frame deletion of intron 1 splice acceptor site; Has not been previously published as pathogenic or benign to our knowledge

Literature cited by the submitters: PubMed 16199547 (cited by Labcorp Genetics (formerly Invitae), Labcorp); PubMed 1472057 (cited by Labcorp Genetics (formerly Invitae), Labcorp); PubMed 9392392 (cited by Labcorp Genetics (formerly Invitae), Labcorp); PubMed 15844473 (cited by Labcorp Genetics (formerly Invitae), Labcorp); PubMed 15928241 (cited by Labcorp Genetics (formerly Invitae), Labcorp).

NM_000306.4(POU1F1):c.143-2A>G

Gene: POU1F1 (POU class 1 homeobox 1; minus strand). Cytogenetic location: 3p11.2.
Variant type: single nucleotide variant.
Coding change: c.143-2A>G on transcript NM_000306.4 (MANE Select); the canonical splice acceptor site of the intron before coding-DNA position 143, A replaced by G.
Molecular consequence: splice acceptor variant. On other transcripts: synonymous variant (1).
Genome position (GRCh38, 1-based): chr3:87,273,420, T>C on the plus strand (A>G on the coding strand, the complement: POU1F1 is on the minus strand). VCF-style: chr3-87273420-T-C. GRCh37 (hg19) VCF-style: chr3-87322570-T-C.
Other names: c.219A>G, p.Thr73= (NM_001122757.3).
Identifiers: ClinVar variation 1302173 (VCV001302173.6), dbSNP rs746709336, ClinGen allele CA2501265.